The following is an entry in ClinVar:

NM_005257.6(GATA6):c.1378G>T (p.Glu460Ter)

Gene: GATA6 (GATA binding protein 6; plus strand). Cytogenetic location: 18q11.2.
Variant type: single nucleotide variant.
Coding change: c.1378G>T on transcript NM_005257.6 (MANE Select); coding-DNA position 1378, G replaced by T.
Protein change: p.Glu460Ter; replaces glutamic acid 460 with a stop codon.
Molecular consequence: nonsense.
Genome position (GRCh38, 1-based): chr18:22,181,528, G>T. VCF-style: chr18-22181528-G-T. GRCh37 (hg19) VCF-style: chr18-19761489-G-T.
Other names: short protein forms E460*.
Identifiers: ClinVar variation 2579548 (VCV002579548.1), dbSNP rs1459871632, ClinGen allele CA401802427.
Genomic context (GRCh38, chr18:22,181,528, plus strand): 5'-CTTGGATTGTCCTGTGCCAACTGTCACACCACAACTACCACCTTATGGCGCAGAAACGCC[G>T]AGGGTGAACCCGTGTGCAATGCTTGTGGACTCTACATGAAACTCCATGGGGTATGCCATG-3'

ClinVar aggregate classification (germline): Pathogenic (1 of 4 stars; one submission).

Submission:

GeneDx
Classification: Pathogenic. Last evaluated: 2023-02-15. Review status: criteria provided, single submitter. Criteria: GeneDx Variant Classification Process June 2021. Collection method: clinical testing. Allele origin: germline. Affected: yes.
Comment: Nonsense variant predicted to result in protein truncation or nonsense mediated decay in a gene for which loss of function is a known mechanism of disease; Not observed at significant frequency in large population cohorts (gnomAD); This variant is associated with the following publications: (PMID: 23020118)